The following is an entry in ClinVar:

ClinVar aggregate classification (germline): Uncertain significance (1 of 4 stars; one submission).

Conditions:
Nephronophthisis. Also called: Juvenile Nephronophthisis. Identifiers: Orphanet 655, MedGen C0687120, MONDO:0019005, HP:0000090.

Submission:

Labcorp Genetics (formerly Invitae), Labcorp
Classification: Uncertain significance for Nephronophthisis. Last evaluated: 2022-11-01. Review status: criteria provided, single submitter. Criteria: Invitae Variant Classification Sherloc (09022015). Collection method: clinical testing. Allele origin: germline.
Comment: In summary, the available evidence is currently insufficient to determine the role of this variant in disease. Therefore, it has been classified as a Variant of Uncertain Significance. Advanced modeling of protein sequence and biophysical properties (such as structural, functional, and spatial information, amino acid conservation, physicochemical variation, residue mobility, and thermodynamic stability) has been performed at Invitae for this missense variant, however the output from this modeling did not meet the statistical confidence thresholds required to predict the impact of this variant on NPHP3 protein function. ClinVar contains an entry for this variant (Variation ID: 1019723). This variant has not been reported in the literature in individuals affected with NPHP3-related conditions. This variant is not present in population databases (gnomAD no frequency). This sequence change replaces leucine, which is neutral and non-polar, with arginine, which is basic and polar, at codon 453 of the NPHP3 protein (p.Leu453Arg).

NM_153240.5(NPHP3):c.1358T>G (p.Leu453Arg)

Genes: NPHP3 (nephrocystin 3; minus strand), NPHP3-ACAD11 (NPHP3-ACAD11 readthrough (NMD candidate); minus strand). Cytogenetic location: 3q22.1.
Variant type: single nucleotide variant.
Coding change: c.1358T>G on transcript NM_153240.5 (MANE Select); coding-DNA position 1358, T replaced by G.
Protein change: p.Leu453Arg; replaces leucine 453 with arginine.
Molecular consequence: missense variant. On other transcripts: non-coding transcript variant (1).
Genome position (GRCh38, 1-based): chr3:132,704,364, A>C on the plus strand (T>G on the coding strand, the complement: NPHP3 is on the minus strand). VCF-style: chr3-132704364-A-C. GRCh37 (hg19) VCF-style: chr3-132423208-A-C.
Other names: short protein forms L453R.
Identifiers: ClinVar variation 1019723 (VCV001019723.6), dbSNP rs1021022605, ClinGen allele CA83596009.